The following is an entry in ClinVar:

ClinVar aggregate classification (germline): Uncertain significance. Review status: criteria provided, multiple submitters, no conflicts (2 of 4 stars). 2 submissions from 2 submitters: Uncertain significance (2). Last evaluated 2025-01-08.

Conditions:
Marfan syndrome (MFS). Also called: MARFAN SYNDROME, TYPE I; Marfan syndrome type 1; Marfan's syndrome; Marfan syndrome, classic; FBN1-Related Marfan Syndrome. Identifiers: Orphanet 284963, Orphanet 558, MedGen C0024796, MONDO:0007947, OMIM 154700.

Allele frequency attached by ClinVar (database versions not stated): TOPMed below 0.00001.

Submissions (2):

GeneDx
Classification: Uncertain significance. Last evaluated: 2025-01-08. Review status: criteria provided, single submitter. Criteria: GeneDx Variant Classification Process June 2021. Collection method: clinical testing. Allele origin: germline. Affected: yes.
Comment: Not observed at significant frequency in large population cohorts (gnomAD); In silico analysis supports that this missense variant has a deleterious effect on protein structure/function; Has not been previously published as pathogenic or benign to our knowledge

All of Us Research Program, National Institutes of Health
Classification: Uncertain significance for Marfan syndrome. Last evaluated: 2023-02-10. Review status: criteria provided, single submitter. Criteria: ACMG Guidelines, 2015. Collection method: clinical testing. Allele origin: germline. Inheritance: Autosomal dominant inheritance. Observed: 1 variant allele, 1 heterozygote.
Comment: This study involves interpretation of variants in research participants for the purpose of population health screening. Participant phenotype was not available at the time of variant classification. Additional details can be found in publication PMID: 35346344, PMCID: PMC8962531

NM_000138.5(FBN1):c.8575G>A (p.Gly2859Ser)

Gene: FBN1 (fibrillin 1; minus strand). Cytogenetic location: 15q21.1.
Variant type: single nucleotide variant.
Coding change: c.8575G>A on transcript NM_000138.5 (MANE Select); coding-DNA position 8575, G replaced by A.
Protein change: p.Gly2859Ser; replaces glycine 2859 with serine.
Molecular consequence: missense variant.
Genome position (GRCh38, 1-based): chr15:48,411,031, C>T on the plus strand (G>A on the coding strand, the complement: FBN1 is on the minus strand). VCF-style: chr15-48411031-C-T. GRCh37 (hg19) VCF-style: chr15-48703228-C-T.
Other names: c.8575G>A, p.Gly2859Ser (NM_001406716.1); short protein forms G2859S.
Identifiers: ClinVar variation 3069426 (VCV003069426.2), dbSNP rs1266629829, ClinGen allele CA392318474.
Genomic context (GRCh38, chr15:48,411,031, plus strand): 5'-TTGGTCTCTGGATGGTGAATTAATGAAGCAAAACCTGGATTTTCATCTTCAGATTATCAC[C>T]CAGTTCACCACTGAGGTAGTCTTTGTCATATTTGTCTTCTAGTTGGTTAAGTTCTTTCTT-3'
Protein context (NP_000129.3, residues 2849-2869): YDKDYLSGEL[Gly2859Ser]DNLKMKIQVL